The following is an entry in ClinVar:

ClinVar aggregate classification (germline): Uncertain significance (1 of 4 stars; one submission).

Conditions:
Ataxia-telangiectasia syndrome (AT). Also called: Cerebello-oculocutaneous telangiectasia; Immunodeficiency with ataxia telangiectasia; Ataxia-telangiectasia, complementation group E; Ataxia-telangiectasia, complementation group D; LOUIS-BAR SYNDROME; AT, COMPLEMENTATION GROUP C. Identifiers: Orphanet 100, MedGen C0004135, MONDO:0008840, OMIM 208900.

Submission:

Labcorp Genetics (formerly Invitae), Labcorp
Classification: Uncertain significance for Ataxia-telangiectasia syndrome. Last evaluated: 2023-03-01. Review status: criteria provided, single submitter. Criteria: Invitae Variant Classification Sherloc (09022015). Collection method: clinical testing. Allele origin: germline.
Comment: This sequence change falls in intron 19 of the ATM gene. It does not directly change the encoded amino acid sequence of the ATM protein. This variant is not present in population databases (gnomAD no frequency). In summary, the available evidence is currently insufficient to determine the role of this variant in disease. Therefore, it has been classified as a Variant of Uncertain Significance. This variant has not been reported in the literature in individuals affected with ATM-related conditions. Algorithms developed to predict the effect of sequence changes on RNA splicing suggest that this variant may create or strengthen a splice site.

NM_000051.4(ATM):c.2921+17T>G

Gene: ATM (ATM serine/threonine kinase; plus strand). Cytogenetic location: 11q22.3.
Variant type: single nucleotide variant.
Coding change: c.2921+17T>G on transcript NM_000051.4 (MANE Select); 17 bases into the intron after coding-DNA position 2921, T replaced by G.
Molecular consequence: intron variant.
Genome position (GRCh38, 1-based): chr11:108,271,163, T>G. VCF-style: chr11-108271163-T-G. GRCh37 (hg19) VCF-style: chr11-108141890-T-G.
Other names: c.2921+17T>G (NM_001351834.2).
Identifiers: ClinVar variation 2837727 (VCV002837727.3), dbSNP rs2497680664, ClinGen allele CA2739270905.